The following is an entry in ClinVar:

ClinVar aggregate classification (germline): Uncertain significance (1 of 4 stars; one submission).

Submission:

Labcorp Genetics (formerly Invitae), Labcorp
Classification: Uncertain significance. Last evaluated: 2022-07-26. Review status: criteria provided, single submitter. Criteria: Invitae Variant Classification Sherloc (09022015). Collection method: clinical testing. Allele origin: germline.
Comment: This variant is not present in population databases (gnomAD no frequency). This sequence change replaces alanine, which is neutral and non-polar, with serine, which is neutral and polar, at codon 660 of the CAMK2B protein (p.Ala660Ser). This variant has not been reported in the literature in individuals affected with CAMK2B-related conditions. Algorithms developed to predict the effect of missense changes on protein structure and function (SIFT, PolyPhen-2, Align-GVGD) all suggest that this variant is likely to be disruptive. In summary, the available evidence is currently insufficient to determine the role of this variant in disease. Therefore, it has been classified as a Variant of Uncertain Significance.

NM_001220.5(CAMK2B):c.1978G>T (p.Ala660Ser)

Gene: CAMK2B (calcium/calmodulin dependent protein kinase II beta; minus strand). Cytogenetic location: 7p13.
Variant type: single nucleotide variant.
Coding change: c.1978G>T on transcript NM_001220.5 (MANE Select); coding-DNA position 1978, G replaced by T.
Protein change: p.Ala660Ser; replaces alanine 660 with serine.
Molecular consequence: missense variant.
Genome position (GRCh38, 1-based): chr7:44,220,085, C>A on the plus strand (G>T on the coding strand, the complement: CAMK2B is on the minus strand). VCF-style: chr7-44220085-C-A. GRCh37 (hg19) VCF-style: chr7-44259684-C-A.
Other names: c.1606G>T, p.Ala536Ser (NM_001293170.2, NM_172078.3); c.1534G>T, p.Ala512Ser (NM_172079.3); c.1531G>T, p.Ala511Ser (NM_172080.3); c.1489G>T, p.Ala497Ser (NM_172081.3); c.1456G>T, p.Ala486Ser (NM_172082.3); c.1417G>T, p.Ala473Ser (NM_172083.3); c.1327G>T, p.Ala443Ser (NM_172084.3); short protein forms A511S, A443S, A512S, A473S, A486S, A497S, A536S, A660S.
Identifiers: ClinVar variation 2064110 (VCV002064110.4), dbSNP rs565318645, ClinGen allele CA367367880.